The following is an entry in ClinVar:

ClinVar aggregate classification (germline): Benign (1 of 4 stars; one submission).

Conditions:
Melanoma, cutaneous malignant, susceptibility to, 3. Also called: Cutaneous malignant melanoma 3. Identifiers: Orphanet 618, MedGen C1836892, MONDO:0012183, OMIM 609048.

Submission:

Myriad Genetics, Inc.
Classification: Benign for Melanoma, cutaneous malignant, susceptibility to, 3. Last evaluated: 2024-09-25. Review status: criteria provided, single submitter. Criteria: Myriad Autosomal Dominant, Autosomal Recessive and X-Linked Classification Criteria (2023). Collection method: clinical testing. Allele origin: unknown.
Comment: This variant is considered benign. This variant is a silent/synonymous amino acid change and it is not expected to impact splicing.

NM_000075.4(CDK4):c.492C>T (p.Ile164=)

Gene: CDK4 (cyclin dependent kinase 4; minus strand). Cytogenetic location: 12q14.1.
Variant type: single nucleotide variant.
Coding change: c.492C>T on transcript NM_000075.4 (MANE Select); coding-DNA position 492, C replaced by T.
Protein change: p.Ile164=; no amino-acid change (isoleucine 164 retained).
Molecular consequence: synonymous variant.
Genome position (GRCh38, 1-based): chr12:57,750,953, G>A on the plus strand (C>T on the coding strand, the complement: CDK4 is on the minus strand). VCF-style: chr12-57750953-G-A. GRCh37 (hg19) VCF-style: chr12-58144736-G-A.
Identifiers: ClinVar variation 3378768 (VCV003378768.1).